The following is an entry in ClinVar:

NM_000384.3(APOB):c.205G>A (p.Asp69Asn)

Genes: APOB (apolipoprotein B; minus strand), LOC106560211 (APOB 5' regulatory region; plus strand). Cytogenetic location: 2p24.1.
Variant type: single nucleotide variant.
Coding change: c.205G>A on transcript NM_000384.3 (MANE Select); coding-DNA position 205, G replaced by A.
Protein change: p.Asp69Asn; replaces aspartic acid 69 with asparagine.
Molecular consequence: missense variant.
Genome position (GRCh38, 1-based): chr2:21,042,393, C>T on the plus strand (G>A on the coding strand, the complement: APOB is on the minus strand). VCF-style: chr2-21042393-C-T. GRCh37 (hg19) VCF-style: chr2-21265265-C-T.
Other names: short protein forms D69N.
Identifiers: ClinVar variation 1064217 (VCV001064217.11), dbSNP rs2103388885, ClinGen allele CA345965066.

ClinVar aggregate classification (germline): Uncertain significance (1 of 4 stars; one submission).

Conditions:
Familial hypobetalipoproteinemia 1. Also called: Hypobetalipoproteinemia, normotriglyceridemic; Acanthocytosis with hypobetalipoproteinemia; APOB-Related Familial Hypobetalipoproteinemia. Identifiers: MedGen C4551990, MONDO:0014252, OMIM 615558.
Hypercholesterolemia, autosomal dominant, type B (FHCL2). Also called: Familial hypercholesterolemia 2; APOB-Related Familial Hypercholesterolemia, Autosomal Dominant; Familial Hypercholesterolemia Type B; APOLIPOPROTEIN B-100, FAMILIAL DEFECTIVE; APOLIPOPROTEIN B-100, FAMILIAL LIGAND-DEFECTIVE; HYPERCHOLESTEROLEMIA, FAMILIAL, DUE TO LIGAND-DEFECTIVE APOLIPOPROTEIN B. Identifiers: MedGen C1704417, MONDO:0007751, OMIM 144010.

Submission:

Labcorp Genetics (formerly Invitae), Labcorp
Classification: Uncertain significance for Familial hypobetalipoproteinemia 1; Hypercholesterolemia, autosomal dominant, type B. Last evaluated: 2020-06-04. Review status: criteria provided, single submitter. Criteria: Invitae Variant Classification Sherloc (09022015). Collection method: clinical testing. Allele origin: germline.
Comment: This variant has not been reported in the literature in individuals with APOB-related conditions. This variant is not present in population databases (ExAC no frequency). In summary, the available evidence is currently insufficient to determine the role of this variant in disease. Therefore, it has been classified as a Variant of Uncertain Significance. This sequence change replaces aspartic acid with asparagine at codon 69 of the APOB protein (p.Asp69Asn). The aspartic acid residue is moderately conserved and there is a small physicochemical difference between aspartic acid and asparagine. Algorithms developed to predict the effect of missense changes on protein structure and function are either unavailable or do not agree on the potential impact of this missense change (SIFT: "Deleterious"; PolyPhen-2: "Possibly Damaging"; Align-GVGD: "Class C0").